The following is an entry in ClinVar:

ClinVar aggregate classification (germline): Likely pathogenic. Review status: criteria provided, multiple submitters, no conflicts (2 of 4 stars). 2 submissions from 2 submitters: Likely pathogenic (2). Last evaluated 2023-07-17.

Conditions:
Renal cysts and diabetes syndrome (RCAD). Also called: Familial hypoplastic, glomerulocystic kidney; MATURITY-ONSET DIABETES OF THE YOUNG, TYPE 5. Identifiers: Orphanet 93111, MedGen C0431693, MONDO:0007669, OMIM 137920.

Submissions (2):

Victorian Clinical Genetics Services, Murdoch Childrens Research Institute
Classification: Likely pathogenic for Renal cysts and diabetes syndrome. Last evaluated: 2023-07-17. Review status: criteria provided, single submitter. Criteria: ACMG Guidelines, 2015. Collection method: clinical testing. Allele origin: germline. Inheritance: Autosomal dominant inheritance. Affected: yes.
Comment: Based on the classification scheme VCGS_Germline_v1.3.4, this variant is classified as Likely Pathogenic. Following criteria are met: 0103 - Dominant negative, loss of function and gain of function are known mechanisms of disease in this gene and are associated with diabetes mellitus, non insulin-dependent (MIM#125853) and renal cysts and diabetes syndrome (MIM#137920). Dominant negative, loss of function and gain of function mechanisms have been reported in the literature (PMID: 27615128, OMIM). (I) 0107 - This gene is associated with autosomal dominant disease. (I) 0115 - Variants in this gene are known to have variable expressivity. Variable types and age of onset of renal disease have been associated with HNF1B variants (PMID: 29764441). (I) 0200 - Variant is predicted to result in a missense amino acid change from histidine to proline. (I) 0251 - This variant is heterozygous. (I) 0301 - Variant is absent from gnomAD (both v2 and v3). (SP) 0501 - Missense variant consistently predicted to be damaging by multiple in silico tools or highly conserved with a major amino acid change. (SP) 0603 - Missense variant in a region that is highly intolerant to missense variation (high constraint region in DECIPHER). (SP) 0708 - Another missense variant comparable to the one identified in this case has conflicting previous evidence for pathogenicity. This alternative change, p.(His132Arg) has been reported once in an individual with renal cyst, hydroureter, vesicoureteral reflux and renal hypodysplasia (PMID: 31131422), and is listed in ClinVar as a VUS. (I) 0803 - This variant has limited previous evidence of pathogenicity in an unrelated individual. This variant has been reported in a single individual with maturity onset diabetes of the young (MODY; PMID: 22060211). (SP) 0905 - No published segregation evidence has been identified for this variant. (I) 1007 - No published functional evidence has been identified for this variant. (I) 1208 - Inheritance information for this variant is not currently available in this individual. (I) Legend: (SP) - Supporting pathogenic, (I) - Information, (SB) - Supporting benign

Institute of Human Genetics, FAU Erlangen, Friedrich-Alexander-Universität Erlangen-Nürnberg
Classification: Likely pathogenic for Renal cysts and diabetes syndrome. Last evaluated: 2019-07-06. Review status: criteria provided, single submitter. Criteria: ACMG Guidelines, 2015. Collection method: literature only. Allele origin: germline. Affected: yes.
Comment: This variant and it's classification has been reported by Vasileiou et al. 2019; DOI:10.1101/576918. The variants has previously been reported in PMID:25700310; PMID:22060211; PMID:29927023; PMID:25536396 as "c.395A>C; c.395A>C p.H132P; c.395A>C" with clinical significance Pathogenic. It has been re-classified using InterVar and manual curation as Likely pathogenic based on PM1 PM2 PP3 PP5.

Literature cited by the submitters: PubMed 22060211 (cited by Victorian Clinical Genetics Services, Murdoch Childrens Research Institute and Institute of Human Genetics, FAU Erlangen, Friedrich-Alexander-Universität Erlangen-Nürnberg); PubMed 27615128 (cited by Victorian Clinical Genetics Services, Murdoch Childrens Research Institute); PubMed 29764441 (cited by Victorian Clinical Genetics Services, Murdoch Childrens Research Institute); PubMed 31131422 (cited by Victorian Clinical Genetics Services, Murdoch Childrens Research Institute); PubMed 25700310 (cited by Institute of Human Genetics, FAU Erlangen, Friedrich-Alexander-Universität Erlangen-Nürnberg); PubMed 29927023 (cited by Institute of Human Genetics, FAU Erlangen, Friedrich-Alexander-Universität Erlangen-Nürnberg); PubMed 25536396 (cited by Institute of Human Genetics, FAU Erlangen, Friedrich-Alexander-Universität Erlangen-Nürnberg); DOI 10.1101/576918 (cited by Institute of Human Genetics, FAU Erlangen, Friedrich-Alexander-Universität Erlangen-Nürnberg).

NM_000458.4(HNF1B):c.395A>C (p.His132Pro)

Gene: HNF1B (HNF1 homeobox B; minus strand). Cytogenetic location: 17q12.
Variant type: single nucleotide variant.
Coding change: c.395A>C on transcript NM_000458.4 (MANE Select); coding-DNA position 395, A replaced by C.
Protein change: p.His132Pro; replaces histidine 132 with proline.
Molecular consequence: missense variant.
Genome position (GRCh38, 1-based): chr17:37,739,589, T>G on the plus strand (A>C on the coding strand, the complement: HNF1B is on the minus strand). VCF-style: chr17-37739589-T-G. GRCh37 (hg19) VCF-style: chr17-36099580-T-G.
Other names: c.395A>C, p.His132Pro (NM_001165923.4, NM_001304286.2); short protein forms H132P.
Identifiers: ClinVar variation 635704 (VCV000635704.2), dbSNP rs2511829635, ClinGen allele CA398751611.